The following is an entry in ClinVar:

NM_002641.4(PIGA):c.716-2392T>A

Gene: PIGA (phosphatidylinositol glycan anchor biosynthesis class A; minus strand). Cytogenetic location: Xp22.2.
Variant type: single nucleotide variant.
Coding change: c.716-2392T>A on transcript NM_002641.4 (MANE Select); 2392 bases into the intron before coding-DNA position 716, T replaced by A.
Molecular consequence: intron variant.
Genome position (GRCh38, 1-based): chrX:15,328,438, A>T on the plus strand (T>A on the coding strand, the complement: PIGA is on the minus strand). VCF-style: chrX-15328438-A-T. GRCh37 (hg19) VCF-style: chrX-15346560-A-T.
Other names: c.14-2392T>A (NM_020473.3).
Identifiers: ClinVar variation 3255278 (VCV003255278.2), dbSNP rs6628992.

ClinVar aggregate classification (germline): Benign (1 of 4 stars; one submission).

Allele frequency attached by ClinVar (database versions not stated): TOPMed 0.31836; gnomAD 0.33562; 1000 Genomes Project 30x 0.35109; 1000 Genomes Project 0.36053; gnomAD exomes 0.85714.
gnomAD v4.1: 37,389 of 111,274 alleles (34%); highest among the groups gnomAD compares: South Asian, 56%; 4,761 homozygotes.

Submission:

Unidad de Genómica Garrahan, Hospital de Pediatría Garrahan
Classification: Benign. Last evaluated: 2024-07-15. Review status: criteria provided, single submitter. Criteria: ACMG Guidelines, 2015. Collection method: clinical testing. Allele origin: germline. Affected: no. Observed: 42 variant alleles.
Comment: This variant is classified as Benign based on local population frequency. This variant was detected in 45% of patients studied in a panel designed for Epileptic and Developmental Encephalopathy and Progressive Myoclonus Epilepsy. Number of patients: 42. Only high quality variants are reported.